The following is an entry in ClinVar:

ClinVar aggregate classification (germline): Conflicting classifications of pathogenicity. Review status: criteria provided, conflicting classifications (1 of 4 stars). 6 submissions from 6 submitters: Uncertain significance (1); Likely benign (2). 3 of the submissions do not count toward it. Last evaluated 2026-02-02.

Conditions:
NEB-related disorder. Also called: NEB-related condition; NEB-Related Disorders.
Nemaline myopathy 2 (NEM2). Also called: Nemaline myopathy 2, autosomal recessive. Identifiers: MedGen C1850569, MONDO:0009725, OMIM 256030.

Submissions (6):

Labcorp Genetics (formerly Invitae), Labcorp
Classification: Likely benign for Nemaline myopathy 2. Last evaluated: 2026-02-02. Review status: criteria provided, single submitter. Criteria: Invitae Variant Classification Sherloc (09022015). Collection method: clinical testing. Allele origin: germline.

GeneDx
Classification: Likely benign. Last evaluated: 2016-07-15. Review status: criteria provided, single submitter. Criteria: GeneDx Variant Classification (06012015). Collection method: clinical testing. Allele origin: germline. Affected: yes.
Comment: This variant is considered likely benign or benign based on one or more of the following criteria: it is a conservative change, it occurs at a poorly conserved position in the protein, it is predicted to be benign by multiple in silico algorithms, and/or has population frequency not consistent with disease.

Eurofins Ntd Llc (ga)
Classification: Uncertain significance. Last evaluated: 2016-03-16. Review status: criteria provided, single submitter. Criteria: EGL Classification Definitions. Collection method: clinical testing. Allele origin: germline. Observed: 1 variant allele, 1 heterozygote.

PreventionGenetics, part of Exact Sciences
Classification: Likely benign for NEB-related condition. Last evaluated: 2019-06-06. Review status: no assertion criteria provided. Collection method: clinical testing. Allele origin: germline. Not counted in ClinVar's aggregate classification.
Comment: This variant is classified as likely benign based on ACMG/AMP sequence variant interpretation guidelines (Richards et al. 2015 PMID: 25741868, with internal and published modifications).

Clinical Genetics DNA and cytogenetics Diagnostics Lab, Erasmus MC, Erasmus Medical Center
Classification: Benign. Review status: no assertion criteria provided. Collection method: clinical testing. Allele origin: germline. Affected: yes. Study: VKGL Data-share Consensus. Not counted in ClinVar's aggregate classification.

Laboratory of Diagnostic Genome Analysis, Leiden University Medical Center (LUMC)
Classification: Likely benign. Review status: no assertion criteria provided. Collection method: clinical testing. Allele origin: germline. Affected: yes. Study: VKGL Data-share Consensus. Not counted in ClinVar's aggregate classification.

NM_001164508.2(NEB):c.5971-6dup

Gene: NEB (nebulin; minus strand). Cytogenetic location: 2q23.3.
Variant type: Duplication.
Coding change: c.5971-6dup on transcript NM_001164508.2 (MANE Select); 6 bases into the intron before coding-DNA position 5971, one base duplicated (T; older notation c.5971-6dupT).
Molecular consequence: intron variant.
Genome position (GRCh38, 1-based): chr2:151,659,175, A duplicated on the plus strand (T on the coding strand, the reverse complement: NEB is on the minus strand); the first of 7 consecutive A bases (chr2:151,659,175-151,659,181); duplicating any one gives the same sequence. VCF-style (leftmost placement, unchanged base first): chr2-151659174-G-GA. GRCh37 (hg19) VCF-style: chr2-152515688-G-GA.
Other names: c.5971-6dupT (NM_001271208.1); c.5971-6dup (NM_004543.5, NM_001164507.2, NM_001271208.2).
Identifiers: ClinVar variation 286897 (VCV000286897.18), dbSNP rs551520922, ClinGen allele CA1910212.
Genomic context (GRCh38, chr2:151,659,174, plus strand): 5'-TCAGGCATGATGTGGACTTTGGTTTTGTCAGCCTCCCATGCTTGTTTGTAGAGATGCTAG[G>GA]AAAAAAACAGTGTAAATTAGTGTTTAAAATCTTAAAAGAAGCTCACTTAGTACATACATA-3'